The following is an entry in ClinVar:

NM_006907.4(PYCR1):c.346A>G (p.Arg116Gly)

Gene: PYCR1 (pyrroline-5-carboxylate reductase 1; minus strand). Cytogenetic location: 17q25.3.
Variant type: single nucleotide variant.
Coding change: c.346A>G on transcript NM_006907.4 (MANE Select); coding-DNA position 346, A replaced by G.
Protein change: p.Arg116Gly; replaces arginine 116 with glycine.
Molecular consequence: missense variant.
Genome position (GRCh38, 1-based): chr17:81,935,120, T>C on the plus strand (A>G on the coding strand, the complement: PYCR1 is on the minus strand). VCF-style: chr17-81935120-T-C. GRCh37 (hg19) VCF-style: chr17-79892996-T-C.
Other names: c.346A>G, p.Arg116Gly (NM_001282279.2, NM_001282280.2, NM_001330523.2 and 1 more transcripts); c.427A>G, p.Arg143Gly (NM_001282281.2); short protein forms R143G, R116G.
Identifiers: ClinVar variation 1031108 (VCV001031108.1), dbSNP rs2041142934, ClinGen allele CA401539144.

ClinVar aggregate classification (germline): Uncertain significance (1 of 4 stars; one submission).

Conditions:
Autosomal recessive cutis laxa type 2B (ARCL2B). Also called: CUTIS LAXA, AUTOSOMAL RECESSIVE, TYPE IIB; CUTIS LAXA WITH PROGEROID FEATURES. Identifiers: Orphanet 357064, MedGen C2751987, MONDO:0013051, OMIM 612940. Disease mechanism: loss of function.

Submission:

Baylor Genetics
Classification: Uncertain significance for Autosomal recessive cutis laxa type 2B. Last evaluated: 2020-03-19. Review status: criteria provided, single submitter. Criteria: ACMG Guidelines, 2015. Collection method: clinical testing. Allele origin: unknown. Affected: yes.
Comment: This variant was determined to be of uncertain significance according to ACMG Guidelines, 2015 [PMID:25741868].